The following is an entry in ClinVar:

ClinVar aggregate classification (germline): Uncertain significance (1 of 4 stars; one submission).

Conditions:
Cardiovascular phenotype. Identifiers: MedGen CN230736.

gnomAD v4.1: 3 of 1,579,744 alleles (0.00019%); highest among the groups gnomAD compares: Non-Finnish European, 0.00026%; no homozygotes.

Submission:

Ambry Genetics
Classification: Uncertain significance for Cardiovascular phenotype. Last evaluated: 2025-03-23. Review status: criteria provided, single submitter. Criteria: Ambry Variant Classification Scheme 2023. Collection method: clinical testing. Allele origin: germline.
Comment: The p.I255L variant (also known as c.763A>C), located in coding exon 8 of the TECRL gene, results from an A to C substitution at nucleotide position 763. The isoleucine at codon 255 is replaced by leucine, an amino acid with highly similar properties. This amino acid position is conserved. In addition, this alteration is predicted to be tolerated by in silico analysis. Based on the available evidence, the clinical significance of this variant remains unclear.

NM_001010874.5(TECRL):c.763A>C (p.Ile255Leu)

Gene: TECRL (trans-2,3-enoyl-CoA reductase like; minus strand). Cytogenetic location: 4q13.1.
Variant type: single nucleotide variant.
Coding change: c.763A>C on transcript NM_001010874.5 (MANE Select); coding-DNA position 763, A replaced by C.
Protein change: p.Ile255Leu; replaces isoleucine 255 with leucine.
Molecular consequence: missense variant.
Genome position (GRCh38, 1-based): chr4:64,299,985, T>G on the plus strand (A>C on the coding strand, the complement: TECRL is on the minus strand). VCF-style: chr4-64299985-T-G. GRCh37 (hg19) VCF-style: chr4-65165703-T-G.
Other names: c.763A>C, p.Ile255Leu (NM_001363796.1); short protein forms I255L.
Identifiers: ClinVar variation 3966916 (VCV003966916.1).